The following is an entry in ClinVar:

NM_002047.4(GARS1):c.751C>G (p.Gln251Glu)

Gene: GARS1 (glycyl-tRNA synthetase 1; plus strand). Cytogenetic location: 7p14.3.
Variant type: single nucleotide variant.
Coding change: c.751C>G on transcript NM_002047.4 (MANE Select); coding-DNA position 751, C replaced by G.
Protein change: p.Gln251Glu; replaces glutamine 251 with glutamic acid.
Molecular consequence: missense variant.
Genome position (GRCh38, 1-based): chr7:30,609,600, C>G. VCF-style: chr7-30609600-C-G. GRCh37 (hg19) VCF-style: chr7-30649216-C-G.
Other names: c.589C>G, p.Gln197Glu (NM_001316772.1); short protein forms Q197E, Q251E.
Identifiers: ClinVar variation 2755034 (VCV002755034.3), dbSNP rs2534302668, ClinGen allele CA367124071.
Genomic context (GRCh38, chr7:30,609,600, plus strand): 5'-TTGTTTTCTCTGTCTTTTACACTAATTTCTTTATATGTCTTTTAGCTTGATAACTATGGA[C>G]AGCAAGAACTTGCGGATCTTTTTGTGAACTATAATGTAAAATCTCCCATTACTGGAAATG-3'
Protein context (NP_002038.2, residues 241-261): SVLAQLDNYG[Gln251Glu]QELADLFVNY

ClinVar aggregate classification (germline): Uncertain significance (1 of 4 stars; one submission).

Conditions:
Charcot-Marie-Tooth disease type 2. Also called: Charcot-Marie-Tooth type 2. Identifiers: Orphanet 64746, MedGen C0270914, MONDO:0018993.

Submission:

Labcorp Genetics (formerly Invitae), Labcorp
Classification: Uncertain significance for Charcot-Marie-Tooth disease type 2. Last evaluated: 2023-08-25. Review status: criteria provided, single submitter. Criteria: Invitae Variant Classification Sherloc (09022015). Collection method: clinical testing. Allele origin: germline.
Comment: In summary, the available evidence is currently insufficient to determine the role of this variant in disease. Therefore, it has been classified as a Variant of Uncertain Significance. Advanced modeling of protein sequence and biophysical properties (such as structural, functional, and spatial information, amino acid conservation, physicochemical variation, residue mobility, and thermodynamic stability) performed at Invitae indicates that this missense variant is not expected to disrupt GARS protein function. This variant has not been reported in the literature in individuals affected with GARS-related conditions. This variant is not present in population databases (gnomAD no frequency). This sequence change replaces glutamine, which is neutral and polar, with glutamic acid, which is acidic and polar, at codon 251 of the GARS protein (p.Gln251Glu).